The following is an entry in ClinVar:

NM_005633.4(SOS1):c.36C>G (p.Ser12Arg)

Genes: SOS1 (SOS Ras/Rac guanine nucleotide exchange factor 1; minus strand), LOC129933535 (ATAC-STARR-seq lymphoblastoid silent region 11384; plus strand). Cytogenetic location: 2p22.1.
Variant type: single nucleotide variant.
Coding change: c.36C>G on transcript NM_005633.4 (MANE Select); coding-DNA position 36, C replaced by G.
Protein change: p.Ser12Arg; replaces serine 12 with arginine.
Molecular consequence: missense variant. On other transcripts: intron variant (1).
Genome position (GRCh38, 1-based): chr2:39,120,387, G>C on the plus strand (C>G on the coding strand, the complement: SOS1 is on the minus strand). VCF-style: chr2-39120387-G-C. GRCh37 (hg19) VCF-style: chr2-39347528-G-C.
Other names: c.36C>G, p.Ser12Arg (NM_001382395.1); c.66+4277C>G (NM_001382394.1); short protein forms S12R.
Identifiers: ClinVar variation 4864935 (VCV004864935.1).

ClinVar aggregate classification (germline): Uncertain significance (1 of 4 stars; one submission).

Conditions:
Cardiovascular phenotype. Identifiers: MedGen CN230736.

Submission:

Ambry Genetics
Classification: Uncertain significance for Cardiovascular phenotype. Last evaluated: 2026-05-03. Review status: criteria provided, single submitter. Criteria: Ambry Variant Classification Scheme 2023. Collection method: clinical testing. Allele origin: germline.
Comment: The p.S12R variant (also known as c.36C>G), located in coding exon 1 of the SOS1 gene, results from a C to G substitution at nucleotide position 36. The serine at codon 12 is replaced by arginine, an amino acid with dissimilar properties. This amino acid position is conserved. In addition, the in silico prediction for this alteration is inconclusive. Based on the available evidence, the clinical significance of this variant remains unclear.